The following is an entry in ClinVar:

ClinVar aggregate classification (germline): Uncertain significance (1 of 4 stars; one submission).

Conditions:
Neurofibromatosis, type 2 (SWNV). Also called: BILATERAL ACOUSTIC NEUROFIBROMATOSIS; SCHWANNOMATOSIS, VESTIBULAR; NF2-Related Schwannomatosis. Identifiers: Orphanet 637, MedGen C0027832, MONDO:0007039, OMIM 101000. Disease mechanism: loss of function.

gnomAD v4.1: 2 of 1,609,576 alleles (0.00012%); highest among the groups gnomAD compares: East Asian, 0.0045%; no homozygotes.

Submission:

Labcorp Genetics (formerly Invitae), Labcorp
Classification: Uncertain significance for Neurofibromatosis, type 2. Last evaluated: 2024-09-18. Review status: criteria provided, single submitter. Criteria: Invitae Variant Classification Sherloc (09022015). Collection method: clinical testing. Allele origin: germline.
Comment: This sequence change falls in intron 6 of the NF2 gene. It does not directly change the encoded amino acid sequence of the NF2 protein. It affects a nucleotide within the consensus splice site. This variant is present in population databases (rs773469094, gnomAD 0.02%). This variant has not been reported in the literature in individuals affected with NF2-related conditions. ClinVar contains an entry for this variant (Variation ID: 943542). Variants that disrupt the consensus splice site are a relatively common cause of aberrant splicing (PMID: 17576681, 9536098). Algorithms developed to predict the effect of sequence changes on RNA splicing suggest that this variant is not likely to affect RNA splicing. In summary, the available evidence is currently insufficient to determine the role of this variant in disease. Therefore, it has been classified as a Variant of Uncertain Significance.

Literature cited by the submitters: PubMed 17576681; PubMed 9536098.

NM_000268.4(NF2):c.599+6G>T

Gene: NF2 (NF2, moesin-ezrin-radixin like (MERLIN) tumor suppressor; plus strand). Cytogenetic location: 22q12.2.
Variant type: single nucleotide variant.
Coding change: c.599+6G>T on transcript NM_000268.4 (MANE Select); 6 bases into the intron after coding-DNA position 599, G replaced by T.
Molecular consequence: intron variant.
Genome position (GRCh38, 1-based): chr22:29,655,682, G>T. VCF-style: chr22-29655682-G-T. GRCh37 (hg19) VCF-style: chr22-30051671-G-T.
Other names: c.599+6G>T (NM_016418.5, NM_181832.3, NM_181825.3); c.447+13397G>T (NM_181833.3); c.476+6G>T (NM_181829.3); c.473+6G>T (NM_181828.3); c.350+6G>T (NM_181830.3, NM_181831.3).
Identifiers: ClinVar variation 943542 (VCV000943542.10), dbSNP rs773469094, ClinGen allele CA034278.